The following is an entry in ClinVar:

ClinVar aggregate classification (germline): Uncertain significance (1 of 4 stars; one submission).

Submission:

Labcorp Genetics (formerly Invitae), Labcorp
Classification: Uncertain significance. Last evaluated: 2024-03-04. Review status: criteria provided, single submitter. Criteria: Invitae Variant Classification Sherloc (09022015). Collection method: clinical testing. Allele origin: germline.
Comment: This sequence change replaces leucine, which is neutral and non-polar, with serine, which is neutral and polar, at codon 1675 of the KMT2A protein (p.Leu1675Ser). This variant is not present in population databases (gnomAD no frequency). This variant has not been reported in the literature in individuals affected with KMT2A-related conditions. ClinVar contains an entry for this variant (Variation ID: 1715575). Advanced modeling of protein sequence and biophysical properties (such as structural, functional, and spatial information, amino acid conservation, physicochemical variation, residue mobility, and thermodynamic stability) has been performed at Invitae for this missense variant, however the output from this modeling did not meet the statistical confidence thresholds required to predict the impact of this variant on KMT2A protein function. In summary, the available evidence is currently insufficient to determine the role of this variant in disease. Therefore, it has been classified as a Variant of Uncertain Significance.

NM_001197104.2(KMT2A):c.5024T>C (p.Leu1675Ser)

Gene: KMT2A (lysine methyltransferase 2A; plus strand). Cytogenetic location: 11q23.3.
Variant type: single nucleotide variant.
Coding change: c.5024T>C on transcript NM_001197104.2 (MANE Select); coding-DNA position 5024, T replaced by C.
Protein change: p.Leu1675Ser; replaces leucine 1675 with serine.
Molecular consequence: missense variant.
Genome position (GRCh38, 1-based): chr11:118,493,076, T>C. VCF-style: chr11-118493076-T-C. GRCh37 (hg19) VCF-style: chr11-118363791-T-C.
Other names: c.5114T>C, p.Leu1705Ser (NM_001412597.1); c.5015T>C, p.Leu1672Ser (NM_005933.4); short protein forms L1672S, L1675S, L1705S.
Identifiers: ClinVar variation 1715575 (VCV001715575.5), dbSNP rs2496928847, ClinGen allele CA382836631.